The following is an entry in ClinVar:

ClinVar aggregate classification (germline): Uncertain significance (1 of 4 stars; one submission).

Conditions:
Developmental and epileptic encephalopathy, 12 (DEE12). Identifiers: MedGen C3150988, MONDO:0013389, OMIM 613722.

Allele frequency attached by ClinVar (database versions not stated): TOPMed below 0.00001.
gnomAD v4.1: 1 of 1,613,730 alleles (0.000062%); highest among the groups gnomAD compares: Admixed American, 0.0017%; no homozygotes.

Submission:

Labcorp Genetics (formerly Invitae), Labcorp
Classification: Uncertain significance for Developmental and epileptic encephalopathy, 12. Last evaluated: 2025-10-11. Review status: criteria provided, single submitter. Criteria: Invitae Variant Classification Sherloc (09022015). Collection method: clinical testing. Allele origin: germline.
Comment: This sequence change replaces glutamic acid, which is acidic and polar, with glutamine, which is neutral and polar, at codon 99 of the PLCB1 protein (p.Glu99Gln). This variant is not present in population databases (gnomAD no frequency). This missense change has been observed in individual(s) with clinical features of developmental and epileptic encephalopathy (internal data). In at least one individual the data is consistent with being in trans (on the opposite chromosome) from a pathogenic variant. ClinVar contains an entry for this variant (Variation ID: 538889). Invitae Evidence Modeling of protein sequence and biophysical properties (such as structural, functional, and spatial information, amino acid conservation, physicochemical variation, residue mobility, and thermodynamic stability) indicates that this missense variant is not expected to disrupt PLCB1 protein function with a negative predictive value of 80%. In summary, the available evidence is currently insufficient to determine the role of this variant in disease. Therefore, it has been classified as a Variant of Uncertain Significance.

NM_015192.4(PLCB1):c.295G>C (p.Glu99Gln)

Gene: PLCB1 (phospholipase C beta 1; plus strand). Cytogenetic location: 20p12.3.
Variant type: single nucleotide variant.
Coding change: c.295G>C on transcript NM_015192.4 (MANE Select); coding-DNA position 295, G replaced by C.
Protein change: p.Glu99Gln; replaces glutamic acid 99 with glutamine.
Molecular consequence: missense variant.
Genome position (GRCh38, 1-based): chr20:8,628,342, G>C. VCF-style: chr20-8628342-G-C. GRCh37 (hg19) VCF-style: chr20-8608989-G-C.
Other names: c.295G>C, p.Glu99Gln (NM_182734.3); short protein forms E99Q.
Identifiers: ClinVar variation 538889 (VCV000538889.7), dbSNP rs1555777814, ClinGen allele CA408261993.